The following is an entry in ClinVar:

ClinVar aggregate classification (germline): Uncertain significance. Review status: criteria provided, multiple submitters, no conflicts (2 of 4 stars). 2 submissions from 2 submitters: Uncertain significance (2). Last evaluated 2025-10-17.

Conditions:
Hemolytic anemia due to glutathione reductase deficiency (CNSHA10). Also called: ANEMIA, CONGENITAL, NONSPHEROCYTIC HEMOLYTIC, 10. Identifiers: Orphanet 90030, MedGen C5231513, MONDO:0019531, OMIM 618660.

gnomAD v4.1: 8 of 1,537,010 alleles (0.00052%); highest among the groups gnomAD compares: Admixed American, 0.004%; no homozygotes.

Submissions (2):

Labcorp Genetics (formerly Invitae), Labcorp
Classification: Uncertain significance. Last evaluated: 2025-10-17. Review status: criteria provided, single submitter. Criteria: Invitae Variant Classification Sherloc (09022015). Collection method: clinical testing. Allele origin: germline.
Comment: This sequence change replaces cysteine, which is neutral and slightly polar, with tryptophan, which is neutral and slightly polar, at codon 102 of the GSR protein (p.Cys102Trp). This variant is present in population databases (no rsID available, gnomAD 0.009%). This variant has not been reported in the literature in individuals affected with GSR-related conditions. ClinVar contains an entry for this variant (Variation ID: 4078872). An algorithm developed to predict the effect of missense changes on protein structure and function (PolyPhen-2) suggests that this variant is likely to be disruptive. In summary, the available evidence is currently insufficient to determine the role of this variant in disease. Therefore, it has been classified as a Variant of Uncertain Significance.

Revvity Omics, Revvity
Classification: Uncertain significance for Hemolytic anemia due to glutathione reductase deficiency. Last evaluated: 2024-07-01. Review status: criteria provided, single submitter. Criteria: ACMG Guidelines, 2015. Collection method: clinical testing. Allele origin: germline.

NM_000637.5(GSR):c.306C>G (p.Cys102Trp)

Genes: GSR (glutathione-disulfide reductase; minus strand), LOC130000170 (ATAC-STARR-seq lymphoblastoid silent region 19083; plus strand). Cytogenetic location: 8p12.
Variant type: single nucleotide variant.
Coding change: c.306C>G on transcript NM_000637.5 (MANE Select); coding-DNA position 306, C replaced by G.
Protein change: p.Cys102Trp; replaces cysteine 102 with tryptophan.
Molecular consequence: missense variant.
Genome position (GRCh38, 1-based): chr8:30,727,530, G>C on the plus strand (C>G on the coding strand, the complement: GSR is on the minus strand). VCF-style: chr8-30727530-G-C. GRCh37 (hg19) VCF-style: chr8-30585047-G-C.
Other names: c.306C>G, p.Cys102Trp (NM_001195102.3, NM_001195103.3, NM_001195104.3); short protein forms C102W.
Identifiers: ClinVar variation 4078872 (VCV004078872.2).